The following is an entry in ClinVar:

NM_015295.3(SMCHD1):c.4306A>G (p.Ile1436Val)

Gene: SMCHD1 (structural maintenance of chromosomes flexible hinge domain containing 1; plus strand). Cytogenetic location: 18p11.32.
Variant type: single nucleotide variant.
Coding change: c.4306A>G on transcript NM_015295.3 (MANE Select); coding-DNA position 4306, A replaced by G.
Protein change: p.Ile1436Val; replaces isoleucine 1436 with valine.
Molecular consequence: missense variant.
Genome position (GRCh38, 1-based): chr18:2,752,512, A>G. VCF-style: chr18-2752512-A-G. GRCh37 (hg19) VCF-style: chr18-2752510-A-G.
Other names: c.4306A>G (NM_015295.2); short protein forms I1436V.
Identifiers: ClinVar variation 284566 (VCV000284566.14), dbSNP rs371280641, ClinGen allele CA8871444.
Genomic context (GRCh38, chr18:2,752,512, plus strand): 5'-TTCCCCTCTCCCCTTCTCTCCTACTCCCCTTTCTAGGCAGAAACATTTAGTTGTAATAAA[A>G]TAAAAGATAATGACAAAGAAGATGGCTGCTTCTATTTCAGGTATTTCTCAAAACATTTCA-3'
Protein context (NP_056110.2, residues 1426-1446): ANAETFSCNK[Ile1436Val]KDNDKEDGCF

ClinVar aggregate classification (germline): Conflicting classifications of pathogenicity. Review status: criteria provided, conflicting classifications (1 of 4 stars). 4 submissions from 4 submitters: Uncertain significance (3); Likely benign (1). Last evaluated 2025-12-25.

Conditions:
Inborn genetic diseases. Identifiers: MedGen C0950123, MeSH D030342.
Facioscapulohumeral muscular dystrophy 2 (FSHD2). Also called: FACIOSCAPULOHUMERAL MUSCULAR DYSTROPHY 2, DIGENIC; FSHD2, DIGENIC; MUSCULAR DYSTROPHY, FACIOSCAPULOHUMERAL, TYPE 1B. Identifiers: Orphanet 269, MedGen C1834671, MONDO:0008031, OMIM 158901.

Allele frequency attached by ClinVar (database versions not stated): gnomAD 0.00002 and 0.00003; TOPMed 0.00003; gnomAD exomes 0.00004 and 0.00006; ExAC 0.00005; ESP Exome Variant Server 0.00009.
gnomAD v4.1: 86 of 1,601,092 alleles (0.0054%); highest among the groups gnomAD compares: Non-Finnish European, 0.0068%; no homozygotes.

Submissions (4):

Labcorp Genetics (formerly Invitae), Labcorp
Classification: Uncertain significance for Facioscapulohumeral muscular dystrophy 2. Last evaluated: 2025-12-25. Review status: criteria provided, single submitter. Criteria: Invitae Variant Classification Sherloc (09022015). Collection method: clinical testing. Allele origin: germline.
Comment: This sequence change replaces isoleucine, which is neutral and non-polar, with valine, which is neutral and non-polar, at codon 1436 of the SMCHD1 protein (p.Ile1436Val). This variant is present in population databases (rs371280641, gnomAD 0.007%). This variant has not been reported in the literature in individuals affected with SMCHD1-related conditions. ClinVar contains an entry for this variant (Variation ID: 284566). Invitae Evidence Modeling of protein sequence and biophysical properties (such as structural, functional, and spatial information, amino acid conservation, physicochemical variation, residue mobility, and thermodynamic stability) indicates that this missense variant is not expected to disrupt SMCHD1 protein function with a negative predictive value of 80%. In summary, the available evidence is currently insufficient to determine the role of this variant in disease. Therefore, it has been classified as a Variant of Uncertain Significance.

Ambry Genetics
Classification: Uncertain significance for Inborn genetic diseases. Last evaluated: 2025-03-24. Review status: criteria provided, single submitter. Criteria: Ambry Variant Classification Scheme 2023. Collection method: clinical testing. Allele origin: germline.

Blueprint Genetics
Classification: Likely benign. Last evaluated: 2024-10-16. Review status: criteria provided, single submitter. Criteria: ACMG Guidelines, 2015. Collection method: clinical testing. Allele origin: germline.

Eurofins Ntd Llc (ga)
Classification: Uncertain significance. Last evaluated: 2017-12-05. Review status: criteria provided, single submitter. Criteria: EGL Classification Definitions 2015. Collection method: clinical testing. Allele origin: germline. Observed: 5 variant alleles, 5 heterozygotes.